The following is an entry in ClinVar:

ClinVar aggregate classification (germline): Likely pathogenic. Review status: reviewed by expert panel (3 of 4 stars). 5 submissions from 5 submitters: Likely pathogenic (1). 4 of the submissions do not count toward it. Last evaluated 2026-01-27.

Conditions:
ABCA4-related retinopathy. Also called: ABCA4-related retinoapthy; ABCA4 retinoapthy. Identifiers: MedGen CN322612, MONDO:0800406.
Stargardt disease (FFM). Also called: Stargardt's disease; Fundus flavimaculatus. Identifiers: Orphanet 827, MedGen C0271093, MONDO:0019353.

Allele frequency attached by ClinVar (database versions not stated): TOPMed below 0.00001; gnomAD 0.00001.
gnomAD v4.1: 4 of 1,551,676 alleles (0.00026%); highest among the groups gnomAD compares: East Asian, 0.0024%; no homozygotes.

Submissions (5):

ClinGen ABCA4 Variant Curation Expert Panel, Clingen
Classification: Likely pathogenic for ABCA4-related retinopathy. Last evaluated: 2026-01-27. Review status: reviewed by expert panel. Criteria: ClinGen ABCA4 ACMG Specifications V1.0.0. Collection method: curation. Allele origin: germline. Inheritance: Autosomal recessive inheritance.
Comment: The NM_000350.3:c.4532C>A variant in ABCA4 is a missense variant predicted to cause substitution of proline by histidine at amino acid 1511; p.Pro1511His. The total minor allele frequency in gnomAD v4.1.0 is 0.000002578 (4/1551676 alleles), which is lower than the ClinGen ABCA4 VCEP’s threshold for PM2_Supporting (<0.0001). The computational predictor REVEL gives a score of 0.918 which is above the threshold of >0.772, evidence that predicts a damaging effect on ABCA4 function (PP3_Moderate). The prevalence of the variant in affected individuals is significantly increased compared with the prevalence in controls with an OR of 6.0 and the CI is 1.31 - 22.34, which is above the ABCA4 VCEP threshold of ≥5, where the CI does not contain 1 (PS4; PMID: 35120629). This variant has been detected in 3 individuals with ABCA4-related retinopathy; however, only one individual was scoreable (0.50 PM3 points; PM3_Supporting; PMID:22427542, 29925512, 37774808). In summary, this variant meets the criteria to be classified as likely pathogenic for ABCA4-related retinopathy based on the ACMG/AMP criteria applied, as specified by the ClinGen ABCA4 VCEP (Specification Version 1.0.0): PS4, PP3_Moderate, PM3_Supporting, PM2_Supporting.

Women's Health and Genetics/Laboratory Corporation of America, LabCorp
Classification: Pathogenic for Stargardt disease. Last evaluated: 2025-07-21. Review status: criteria provided, single submitter. Criteria: LabCorp Variant Classification Summary - May 2015. Collection method: clinical testing. Allele origin: germline. Not counted in ClinVar's aggregate classification.
Comment: Variant summary: ABCA4 c.4532C>A (p.Pro1511His) results in a non-conservative amino acid change in the encoded protein sequence. Algorithms developed to predict the effect of missense changes on protein structure and function all suggest that this variant is likely to be disruptive. The frequency data for this variant in gnomAD is considered unreliable, as metrics indicate poor data quality at this position. c.4532C>A has been observed in individuals affected with Stargardt Disease, including as a compound heterozygous genotype (e.g. Fritsche_2012, Fujinami_2019, Jiang_2016, Internal data). These data indicate that the variant is likely to be associated with disease. To our knowledge, no experimental evidence demonstrating an impact on protein function has been reported. A different variant at the same codon (c.4532C>G, p.Pro1511Arg) has been classified as Pathogenic/Likely pathogenic in ClinVar, providing evidence for a critical role of codon 1511 in ABCA4 protein function. The following publications have been ascertained in the context of this evaluation (PMID: 22427542, 29925512, 26780318). ClinVar contains an entry for this variant (Variation ID: 417992). Based on the evidence outlined above, the variant was classified as pathogenic.

Labcorp Genetics (formerly Invitae), Labcorp
Classification: Pathogenic. Last evaluated: 2024-03-13. Review status: criteria provided, single submitter. Criteria: Invitae Variant Classification Sherloc (09022015). Collection method: clinical testing. Allele origin: germline. Not counted in ClinVar's aggregate classification.
Comment: This sequence change replaces proline, which is neutral and non-polar, with histidine, which is basic and polar, at codon 1511 of the ABCA4 protein (p.Pro1511His). This variant is present in population databases (no rsID available, gnomAD 0.06%). This missense change has been observed in individuals with Stargardt disease (PMID: 22427542, 26780318, 29925512; Invitae). ClinVar contains an entry for this variant (Variation ID: 417992). Advanced modeling of protein sequence and biophysical properties (such as structural, functional, and spatial information, amino acid conservation, physicochemical variation, residue mobility, and thermodynamic stability) performed at Invitae indicates that this missense variant is expected to disrupt ABCA4 protein function with a positive predictive value of 95%. This variant disrupts the p.Pro1511 amino acid residue in ABCA4. Other variant(s) that disrupt this residue have been determined to be pathogenic (PMID: 20647261, 24154662, 28559085). This suggests that this residue is clinically significant, and that variants that disrupt this residue are likely to be disease-causing. For these reasons, this variant has been classified as Pathogenic.

Revvity Omics, Revvity
Classification: Likely pathogenic. Last evaluated: 2023-01-19. Review status: criteria provided, single submitter. Criteria: ACMG Guidelines, 2015. Collection method: clinical testing. Allele origin: germline. Not counted in ClinVar's aggregate classification.

GeneDx
Classification: Likely pathogenic. Last evaluated: 2013-06-11. Review status: criteria provided, single submitter. Criteria: GeneDx Variant Classification (06012015). Collection method: clinical testing. Allele origin: germline. Affected: yes. Not counted in ClinVar's aggregate classification.
Comment: The P1511H missense change in the ABCA4 gene has not been reported as a pathogenic variant or as a benign polymorphism to our knowledge. The P1511H amino acid substitution is non-conservative with a neutral and non-polar residue (Pro) being replaced by a positively charged and polar residue (His). Furthermore, the loss of a Proline residue with its unique structure may affect the structure of the protein. The residue at which this substitution occurs is well conserved in the ABCR protein. According to the Human Gene Mutation Database (HGMD) other missense mutations (G1507W, G1508C, P1512R, P1512H, Q1513R, R1517S, L1525P) have been reported in nearby residues in association with ABCA4-related disorders (Stenson, 2009). The P1511H variant was not observed in approximately 6,500 individuals of European and African American ancestry in an external variant database, indicating it is not a common benign variant in these populations. Therefore, P1511H is a strong candidate for a pathogenic variant although the possibility that it is a benign polymorphism cannot be excluded.

Literature cited by the submitters: PubMed 29925512 (cited by Women's Health and Genetics/Laboratory Corporation of America, LabCorp and Labcorp Genetics (formerly Invitae), Labcorp); PubMed 26780318 (cited by Women's Health and Genetics/Laboratory Corporation of America, LabCorp and Labcorp Genetics (formerly Invitae), Labcorp); PubMed 22427542 (cited by Women's Health and Genetics/Laboratory Corporation of America, LabCorp and Labcorp Genetics (formerly Invitae), Labcorp); PubMed 20647261 (cited by Labcorp Genetics (formerly Invitae), Labcorp); PubMed 24154662 (cited by Labcorp Genetics (formerly Invitae), Labcorp); PubMed 28559085 (cited by Labcorp Genetics (formerly Invitae), Labcorp).

NM_000350.3(ABCA4):c.4532C>A (p.Pro1511His)

Gene: ABCA4 (ATP binding cassette subfamily A member 4; minus strand). Cytogenetic location: 1p22.1.
Variant type: single nucleotide variant.
Coding change: c.4532C>A on transcript NM_000350.3 (MANE Select); coding-DNA position 4532, C replaced by A.
Protein change: p.Pro1511His; replaces proline 1511 with histidine.
Molecular consequence: missense variant.
Genome position (GRCh38, 1-based): chr1:94,029,452, G>T on the plus strand (C>A on the coding strand, the complement: ABCA4 is on the minus strand). VCF-style: chr1-94029452-G-T. GRCh37 (hg19) VCF-style: chr1-94495008-G-T.
Other names: NM_000350.3(ABCA4):c.4532C>A; p.Pro1511His; c.4310C>A, p.Pro1437His (NM_001425324.1); short protein forms P1511H, P1437H.
Identifiers: ClinVar variation 417992 (VCV000417992.16), dbSNP rs886046564, ClinGen allele CA16617202.